The following is an entry in ClinVar:

NM_001134407.3(GRIN2A):c.2102T>G (p.Met701Arg)

Gene: GRIN2A (glutamate ionotropic receptor NMDA type subunit 2A; minus strand). Cytogenetic location: 16p13.2.
Variant type: single nucleotide variant.
Coding change: c.2102T>G on transcript NM_001134407.3 (MANE Select); coding-DNA position 2102, T replaced by G.
Protein change: p.Met701Arg; replaces methionine 701 with arginine.
Molecular consequence: missense variant.
Genome position (GRCh38, 1-based): chr16:9,822,330, A>C on the plus strand (T>G on the coding strand, the complement: GRIN2A is on the minus strand). VCF-style: chr16-9822330-A-C. GRCh37 (hg19) VCF-style: chr16-9916187-A-C.
Other names: c.2102T>G, p.Met701Arg (NM_000833.5, NM_001134408.2); short protein forms M701R.
Identifiers: ClinVar variation 1346103 (VCV001346103.6), dbSNP rs2141294836, ClinGen allele CA394797799.

ClinVar aggregate classification (germline): Uncertain significance (1 of 4 stars; one submission).

Conditions:
Landau-Kleffner syndrome (FESD). Also called: APHASIA, ACQUIRED, WITH EPILEPSY; EPILEPSY, FOCAL, WITH SPEECH DISORDER AND WITH OR WITHOUT MENTAL RETARDATION. Identifiers: Orphanet 1945, Orphanet 725, Orphanet 98818, MedGen C0282512, MONDO:0009509, OMIM 245570.

Submission:

Labcorp Genetics (formerly Invitae), Labcorp
Classification: Uncertain significance for Landau-Kleffner syndrome. Last evaluated: 2022-08-09. Review status: criteria provided, single submitter. Criteria: Invitae Variant Classification Sherloc (09022015). Collection method: clinical testing. Allele origin: germline.
Comment: In summary, the available evidence is currently insufficient to determine the role of this variant in disease. Therefore, it has been classified as a Variant of Uncertain Significance. Algorithms developed to predict the effect of sequence changes on RNA splicing suggest that this variant may create or strengthen a splice site. Advanced modeling of protein sequence and biophysical properties (such as structural, functional, and spatial information, amino acid conservation, physicochemical variation, residue mobility, and thermodynamic stability) performed at Invitae indicates that this missense variant is expected to disrupt GRIN2A protein function. ClinVar contains an entry for this variant (Variation ID: 1346103). This variant has not been reported in the literature in individuals affected with GRIN2A-related conditions. This variant is not present in population databases (gnomAD no frequency). This sequence change replaces methionine, which is neutral and non-polar, with arginine, which is basic and polar, at codon 701 of the GRIN2A protein (p.Met701Arg).